The following is an entry in ClinVar:

NM_182746.3(MCM4):c.1600T>C (p.Ser534Pro)

Gene: MCM4 (minichromosome maintenance complex component 4; plus strand). Cytogenetic location: 8q11.21.
Variant type: single nucleotide variant.
Coding change: c.1600T>C on transcript NM_182746.3 (MANE Select); coding-DNA position 1600, T replaced by C.
Protein change: p.Ser534Pro; replaces serine 534 with proline.
Molecular consequence: missense variant.
Genome position (GRCh38, 1-based): chr8:47,970,676, T>C. VCF-style: chr8-47970676-T-C. GRCh37 (hg19) VCF-style: chr8-48883236-T-C.
Other names: c.1600T>C, p.Ser534Pro (NM_005914.4); short protein forms S534P.
Identifiers: ClinVar variation 2003301 (VCV002003301.4), dbSNP rs1415057818, ClinGen allele CA371152388.
Genomic context (GRCh38, chr8:47,970,676, plus strand): 5'-ACCAGCAAGTCCCAGCTGCTGCAGTACGTGTACAACCTCGTCCCCAGGGGCCAGTACACG[T>C]CTGGGAAGGGCTCCAGTGCAGTTGGCCTCACTGCGTACGTAATGAAAGACCCTGAGACAA-3'
Protein context (NP_877423.1, residues 524-544): YNLVPRGQYT[Ser534Pro]GKGSSAVGLT

ClinVar aggregate classification (germline): Uncertain significance (1 of 4 stars; one submission).

Allele frequency attached by ClinVar (database versions not stated): gnomAD exomes below 0.00001; TOPMed below 0.00001.
gnomAD v4.1: 1 of 1,614,122 alleles (0.000062%); highest among the groups gnomAD compares: East Asian, 0.0022%; no homozygotes.

Submission:

Labcorp Genetics (formerly Invitae), Labcorp
Classification: Uncertain significance. Last evaluated: 2022-06-08. Review status: criteria provided, single submitter. Criteria: Invitae Variant Classification Sherloc (09022015). Collection method: clinical testing. Allele origin: germline.
Comment: In summary, the available evidence is currently insufficient to determine the role of this variant in disease. Therefore, it has been classified as a Variant of Uncertain Significance. Algorithms developed to predict the effect of missense changes on protein structure and function are either unavailable or do not agree on the potential impact of this missense change (SIFT: "Deleterious"; PolyPhen-2: "Probably Damaging"; Align-GVGD: "Class C0"). This variant has not been reported in the literature in individuals affected with MCM4-related conditions. This variant is present in population databases (no rsID available, gnomAD 0.006%). This sequence change replaces serine, which is neutral and polar, with proline, which is neutral and non-polar, at codon 534 of the MCM4 protein (p.Ser534Pro).